The following is an entry in ClinVar:

NM_000551.4(VHL):c.533T>G (p.Leu178Arg)

Genes: VHL (von Hippel-Lindau tumor suppressor; plus strand), LOC107303340 (3p25 von Hippel-Lindau tumor suppressor, E3 ubiquitin protein ligase Alu-mediated recombination region; plus strand). Cytogenetic location: 3p25.3.
Variant type: single nucleotide variant.
Coding change: c.533T>G on transcript NM_000551.4 (MANE Select); coding-DNA position 533, T replaced by G.
Protein change: p.Leu178Arg; replaces leucine 178 with arginine.
Molecular consequence: missense variant. On other transcripts: 3 prime UTR variant (1).
Genome position (GRCh38, 1-based): chr3:10,149,856, T>G. VCF-style: chr3-10149856-T-G. GRCh37 (hg19) VCF-style: chr3-10191540-T-G.
Other names: c.*87T>G (NM_001354723.2); c.410T>G, p.Leu137Arg (NM_198156.3); short protein forms L178R, L137R.
Identifiers: ClinVar variation 625261 (VCV000625261.3), dbSNP rs5030822, ClinGen allele CA351756248.
Genomic context (GRCh38, chr3:10,149,856, plus strand): 5'-TGAAAGAGCGATGCCTCCAGGTTGTCCGGAGCCTAGTCAAGCCTGAGAATTACAGGAGAC[T>G]GGACATCGTCAGGTCGCTCTACGAAGATCTGGAAGACCACCCAAATGTGCAGAAAGACCT-3'
Protein context (NP_000542.1, residues 168-188): SLVKPENYRR[Leu178Arg]DIVRSLYEDL

ClinVar aggregate classification (germline): Pathogenic. Review status: criteria provided, multiple submitters, no conflicts (2 of 4 stars). 2 submissions from 2 submitters: Pathogenic (2). Last evaluated 2023-05-11.

Conditions:
Hereditary cancer-predisposing syndrome. Also called: Tumor predisposition; Neoplastic Syndromes, Hereditary; Hereditary Cancer Syndrome; Hereditary neoplastic syndrome. Identifiers: Orphanet 140162, MedGen C0027672, MeSH D009386, MONDO:0015356.
Von Hippel-Lindau syndrome (VHLS). Also called: von Hippel–Lindau syndrome; Von Hippel-Lindau; VHL syndrome. Identifiers: Orphanet 892, MedGen C0019562, MONDO:0008667, OMIM 193300. Disease mechanism: loss of function.

Submissions (2):

Ambry Genetics
Classification: Pathogenic for Hereditary cancer-predisposing syndrome. Last evaluated: 2023-05-11. Review status: criteria provided, single submitter. Criteria: Ambry Variant Classification Scheme 2023. Collection method: clinical testing. Allele origin: germline.
Comment: The p.L178R pathogenic mutation (also known as c.533T>G), located in coding exon 3 of the VHL gene, results from a T to G substitution at nucleotide position 533. The leucine at codon 178 is replaced by arginine, an amino acid with dissimilar properties. This alteration has been observed in multiple patients with personal and/or family history consistent with Von Hippel-Lindau syndrome (VHL) (Webster AR et al. Arch Ophthalmol, 1999 Mar;117:371-8; Ong KR et al. Hum Mutat, 2007 Feb;28:143-9; Wu P et al. J Hum Genet, 2012 Apr;57:238-43; Sriphrapradang C et al. Clin Med Insights Endocrinol Diabetes, 2017 Apr;10:1179551417705122). This amino acid position is highly conserved in available vertebrate species. In addition, this alteration is predicted to be deleterious by in silico analysis. This variant is considered to be rare based on population cohorts in the Genome Aggregation Database (gnomAD). Based on the supporting evidence, this alteration is interpreted as a disease-causing mutation.

Genomic Diagnostic Laboratory, Division of Genomic Diagnostics, Children's Hospital of Philadelphia
Classification: Pathogenic for von Hippel-Lindau syndrome. Last evaluated: 2018-08-01. Review status: criteria provided, single submitter. Criteria: DGD Variant Analysis Guidelines. Collection method: clinical testing. Allele origin: germline. Affected: yes. Observed: 1 variant allele.

Literature cited by the submitters: PubMed 10088816 (cited by Ambry Genetics); PubMed 17024664 (cited by Ambry Genetics); PubMed 22357542 (cited by Ambry Genetics); PubMed 28469506 (cited by Ambry Genetics).